The following is an entry in ClinVar:

NM_001429.4(EP300):c.4433G>A (p.Arg1478His)

Gene: EP300 (EP300 lysine acetyltransferase; plus strand). Cytogenetic location: 22q13.2.
Variant type: single nucleotide variant.
Coding change: c.4433G>A on transcript NM_001429.4 (MANE Select); coding-DNA position 4433, G replaced by A.
Protein change: p.Arg1478His; replaces arginine 1478 with histidine.
Molecular consequence: missense variant.
Genome position (GRCh38, 1-based): chr22:41,170,552, G>A. VCF-style: chr22-41170552-G-A. GRCh37 (hg19) VCF-style: chr22-41566556-G-A.
Other names: c.4433G>A (NM_001429.3); c.4355G>A, p.Arg1452His (NM_001362843.2); short protein forms R1478H, R1452H.
Identifiers: ClinVar variation 2719680 (VCV002719680.5), dbSNP rs756061989, ClinGen allele CA10253421.

ClinVar aggregate classification (germline): Conflicting classifications of pathogenicity. Review status: criteria provided, conflicting classifications (1 of 4 stars). 3 submissions from 3 submitters: Uncertain significance (1); Likely benign (1). 1 of the submissions does not count toward it. Last evaluated 2025-04-24.

Conditions:
Inborn genetic diseases. Identifiers: MedGen C0950123, MeSH D030342.
EP300-related disorder. Also called: EP300-related condition; EP300-related disorders.
Rubinstein-Taybi syndrome due to EP300 haploinsufficiency. Also called: RUBINSTEIN-TAYBI SYNDROME 2; EP300-Related Rubinstein-Taybi Syndrome. Identifiers: Orphanet 353284, Orphanet 783, MedGen C3150941, MONDO:0013364, OMIM 613684.

Allele frequency attached by ClinVar (database versions not stated): gnomAD exomes below 0.00001; TOPMed below 0.00001; gnomAD 0.00001; ExAC 0.00002.
gnomAD v4.1: 7 of 1,613,336 alleles (0.00043%); highest among the groups gnomAD compares: Admixed American, 0.0017%; no homozygotes.

Submissions (3):

Ambry Genetics
Classification: Likely benign for Inborn genetic diseases. Last evaluated: 2025-04-24. Review status: criteria provided, single submitter. Criteria: Ambry Variant Classification Scheme 2023. Collection method: clinical testing. Allele origin: germline.

Labcorp Genetics (formerly Invitae), Labcorp
Classification: Uncertain significance for Rubinstein-Taybi syndrome due to EP300 haploinsufficiency. Last evaluated: 2025-04-22. Review status: criteria provided, single submitter. Criteria: Invitae Variant Classification Sherloc (09022015). Collection method: clinical testing. Allele origin: germline.
Comment: This sequence change replaces arginine, which is basic and polar, with histidine, which is basic and polar, at codon 1478 of the EP300 protein (p.Arg1478His). This variant is present in population databases (rs756061989, gnomAD 0.002%). This variant has not been reported in the literature in individuals affected with EP300-related conditions. ClinVar contains an entry for this variant (Variation ID: 2719680). Invitae Evidence Modeling of protein sequence and biophysical properties (such as structural, functional, and spatial information, amino acid conservation, physicochemical variation, residue mobility, and thermodynamic stability) indicates that this missense variant is expected to disrupt EP300 protein function with a positive predictive value of 80%. In summary, the available evidence is currently insufficient to determine the role of this variant in disease. Therefore, it has been classified as a Variant of Uncertain Significance.

PreventionGenetics, part of Exact Sciences
Classification: Uncertain significance for EP300-related condition. Last evaluated: 2024-08-06. Review status: no assertion criteria provided. Collection method: clinical testing. Allele origin: germline. Not counted in ClinVar's aggregate classification.
Comment: The EP300 c.4433G>A variant is predicted to result in the amino acid substitution p.Arg1478His. To our knowledge, this variant has not been reported in the literature. This variant is reported in 0.0018% of alleles in individuals of European (non-Finnish) descent in gnomAD. At this time, the clinical significance of this variant is uncertain due to the absence of conclusive functional and genetic evidence.